The following is an entry in ClinVar:

ClinVar aggregate classification (germline): Uncertain significance. Review status: criteria provided, multiple submitters, no conflicts (2 of 4 stars). 3 submissions from 3 submitters: Uncertain significance (3). Last evaluated 2026-09-12.

Conditions:
PLEC-related disorder. Also called: PLEC-related disorders; PLEC-related condition.
Epidermolysis bullosa simplex 5C, with pyloric atresia (EBS5C). Also called: PLEC-Related Epidermolysis Bullosa with Pyloric Atresia; PLEC1-Related Epidermolysis Bullosa with Pyloric Atresia; Epidermolysis bullosa simplex with pyloric atresia. Identifiers: Orphanet 158684, MedGen C2677349, MONDO:0012807, OMIM 612138.
Epidermolysis bullosa simplex, Ogna type (EBS5A). Also called: Pidermolysis bullosa simplex 5A, Ogna type; EPIDERMOLYSIS BULLOSA SIMPLEX 5A, OGNA TYPE. Identifiers: Orphanet 79401, MedGen C0432317, MONDO:0007555, OMIM 131950.
Epidermolysis bullosa simplex 5B, with muscular dystrophy (EBS5B). Also called: Epidermolysis bullosa simplex with muscular dystrophy; EPIDERMOLYSIS BULLOSA SIMPLEX AND LIMB-GIRDLE MUSCULAR DYSTROPHY. Identifiers: Orphanet 257, MedGen C2931072, MONDO:0009181, OMIM 226670.
Epidermolysis bullosa simplex with nail dystrophy (EBS5D). Identifiers: MedGen C4225309, MONDO:0014661, OMIM 616487.
Autosomal recessive limb-girdle muscular dystrophy type 2Q (LGMDR17). Also called: MUSCULAR DYSTROPHY, LIMB-GIRDLE, AUTOSOMAL RECESSIVE 17. Identifiers: Orphanet 254361, MedGen C3150989, MONDO:0013390, OMIM 613723.
Inborn genetic diseases. Identifiers: MedGen C0950123, MeSH D030342.

Allele frequency attached by ClinVar (database versions not stated): gnomAD exomes below 0.00001 and 0.00001; gnomAD 0.00001; TOPMed 0.00001; ExAC 0.00002; ESP Exome Variant Server 0.00008.
gnomAD v4.1: 21 of 1,613,024 alleles (0.0013%); highest among the groups gnomAD compares: East Asian, 0.0022%; no homozygotes.

Submissions (3):

PreventionGenetics, part of Exact Sciences
Classification: Uncertain significance for PLEC-related condition. Last evaluated: 2026-09-12. Review status: criteria provided, single submitter. Criteria: ACMG Guidelines, 2015. Collection method: clinical testing. Allele origin: germline.
Comment: The PLEC c.10027G>A variant is predicted to result in the amino acid substitution p.Glu3343Lys. To our knowledge, this variant has not been reported in the literature. This variant is reported in 0.0033% of alleles in individuals of South Asian descent in gnomAD. At this time, the clinical significance of this variant is uncertain due to the absence of conclusive functional and genetic evidence.

Labcorp Genetics (formerly Invitae), Labcorp
Classification: Uncertain significance for Autosomal recessive limb-girdle muscular dystrophy type 2Q; Epidermolysis bullosa simplex, Ogna type; Epidermolysis bullosa simplex with nail dystrophy; Epidermolysis bullosa simplex 5C, with pyloric atresia; Epidermolysis bullosa simplex 5B, with muscular dystrophy. Last evaluated: 2025-05-17. Review status: criteria provided, single submitter. Criteria: Invitae Variant Classification Sherloc (09022015). Collection method: clinical testing. Allele origin: germline.
Comment: This sequence change replaces glutamic acid, which is acidic and polar, with lysine, which is basic and polar, at codon 3343 of the PLEC protein (p.Glu3343Lys). This variant is present in population databases (rs373500873, gnomAD 0.003%). This variant has not been reported in the literature in individuals affected with PLEC-related conditions. ClinVar contains an entry for this variant (Variation ID: 569814). An algorithm developed to predict the effect of missense changes on protein structure and function (PolyPhen-2) suggests that this variant is likely to be disruptive. In summary, the available evidence is currently insufficient to determine the role of this variant in disease. Therefore, it has been classified as a Variant of Uncertain Significance.

Ambry Genetics
Classification: Uncertain significance for Inborn genetic diseases. Last evaluated: 2025-04-12. Review status: criteria provided, single submitter. Criteria: Ambry Variant Classification Scheme 2023. Collection method: clinical testing. Allele origin: germline.

NM_201384.3(PLEC):c.9946G>A (p.Glu3316Lys)

Gene: PLEC (plectin; minus strand). Cytogenetic location: 8q24.3.
Variant type: single nucleotide variant.
Coding change: c.9946G>A on transcript NM_201384.3 (MANE Select); coding-DNA position 9946, G replaced by A.
Protein change: p.Glu3316Lys; replaces glutamic acid 3316 with lysine.
Molecular consequence: missense variant.
Genome position (GRCh38, 1-based): chr8:143,919,875, C>T on the plus strand (G>A on the coding strand, the complement: PLEC is on the minus strand). VCF-style: chr8-143919875-C-T. GRCh37 (hg19) VCF-style: chr8-144994043-C-T.
Other names: c.10027G>A, p.Glu3343Lys (NM_000445.5); c.9904G>A, p.Glu3302Lys (NM_201378.4); c.9880G>A, p.Glu3294Lys (NM_201379.3); c.10357G>A, p.Glu3453Lys (NM_201380.4); c.9850G>A, p.Glu3284Lys (NM_201381.3); c.9946G>A, p.Glu3316Lys (NM_201382.4); c.9958G>A, p.Glu3320Lys (NM_201383.3); c.10027G>A (NM_000445.3); short protein forms E3343K, E3294K, E3302K, E3284K, E3320K, E3453K, E3316K.
Identifiers: ClinVar variation 569814 (VCV000569814.10), dbSNP rs373500873, ClinGen allele CA4924807.